The following is an entry in ClinVar:

NM_001065.4(TNFRSF1A):c.740-9T>C

Genes: TNFRSF1A (TNF receptor superfamily member 1A; minus strand), LOC130007232 (ATAC-STARR-seq lymphoblastoid active region 5847; plus strand). Cytogenetic location: 12p13.31.
Variant type: single nucleotide variant.
Coding change: c.740-9T>C on transcript NM_001065.4 (MANE Select); 9 bases into the intron before coding-DNA position 740, T replaced by C.
Molecular consequence: intron variant.
Genome position (GRCh38, 1-based): chr12:6,330,304, A>G on the plus strand (T>C on the coding strand, the complement: TNFRSF1A is on the minus strand). VCF-style: chr12-6330304-A-G. GRCh37 (hg19) VCF-style: chr12-6439470-A-G.
Other names: p.?; c.416-9T>C (NM_001346091.2); c.281-9T>C (NM_001346092.2).
Identifiers: ClinVar variation 257327 (VCV000257327.40), dbSNP rs12426675, ClinGen allele CA6405376.

ClinVar aggregate classification (germline): Benign/Likely benign. Review status: criteria provided, multiple submitters, no conflicts (2 of 4 stars). 12 submissions from 12 submitters: Benign (9); Likely benign (1). 2 of the submissions do not count toward it. Last evaluated 2026-02-04.

Conditions:
TNF receptor-associated periodic fever syndrome (TRAPS) (FPF). Also called: TNF receptor 1-associated periodic fever syndrome; FAMILIAL HIBERNIAN FEVER; TNF RECEPTOR-ASSOCIATED PERIODIC SYNDROME; TUMOR NECROSIS FACTOR RECEPTOR-ASSOCIATED PERIODIC SYNDROME; Autosomal Dominant Familial Periodic Fever; TNF Receptor-Associated Periodic Fever Syndrome. Identifiers: Orphanet 32960, MedGen C1275126, MONDO:0007727, OMIM 142680.

Allele frequency attached by ClinVar (database versions not stated): ESP Exome Variant Server 0.23235; gnomAD 0.24746 and 0.25476; TOPMed 0.26182; ExAC 0.27762; gnomAD exomes 0.28016; 1000 Genomes Project 30x 0.33011; 1000 Genomes Project 0.33367.
gnomAD v4.1: 381,173 of 1,611,464 alleles (24%); highest among the groups gnomAD compares: South Asian, 44%; 49,169 homozygotes.

Submissions (12):

Labcorp Genetics (formerly Invitae), Labcorp
Classification: Benign for TNF receptor-associated periodic fever syndrome (TRAPS). Last evaluated: 2026-02-04. Review status: criteria provided, single submitter. Criteria: Invitae Variant Classification Sherloc (09022015). Collection method: clinical testing. Allele origin: germline.

Women's Health and Genetics/Laboratory Corporation of America, LabCorp
Classification: Benign. Last evaluated: 2026-01-21. Review status: criteria provided, single submitter. Criteria: LabCorp Variant Classification Summary - May 2015. Collection method: clinical testing. Allele origin: germline.

ARUP Laboratories, Molecular Genetics and Genomics, ARUP Laboratories
Classification: Benign. Last evaluated: 2025-07-25. Review status: criteria provided, single submitter. Criteria: ARUP Molecular Germline Variant Investigation Process 2024. Collection method: clinical testing. Allele origin: germline.

Blueprint Genetics
Classification: Likely benign. Last evaluated: 2024-11-27. Review status: criteria provided, single submitter. Criteria: ACMG Guidelines, 2015. Collection method: clinical testing. Allele origin: germline.

Unidad de Genómica Garrahan, Hospital de Pediatría Garrahan
Classification: Benign. Last evaluated: 2023-11-12. Review status: criteria provided, single submitter. Criteria: ACMG Guidelines, 2015. Collection method: clinical testing. Allele origin: germline. Affected: no. Observed: 61 variant alleles.
Comment: This variant is classified as Benign based on local population frequency. This variant was detected in 64% of patients studied by a panel of primary immunodeficiencies. Number of patients: 61. Only high quality variants are reported.

Mayo Clinic Laboratories, Mayo Clinic
Classification: Benign. Last evaluated: 2018-03-22. Review status: criteria provided, single submitter. Criteria: ACMG Guidelines, 2015. Collection method: clinical testing. Allele origin: germline. Observed: 418 variant alleles.

Illumina Laboratory Services, Illumina
Classification: Benign for TNF receptor-associated periodic fever syndrome (TRAPS). Last evaluated: 2018-01-13. Review status: criteria provided, single submitter. Criteria: ICSL Variant Classification Criteria 13 December 2019. Collection method: clinical testing. Allele origin: germline.
Comment: This variant was observed in the ICSL laboratory as part of a predisposition screen in an ostensibly healthy population. It had not been previously curated by ICSL or reported in the Human Gene Mutation Database (HGMD: prior to June 1st, 2018), and was therefore a candidate for classification through an automated scoring system. Utilizing variant allele frequency, disease prevalence and penetrance estimates, and inheritance mode, an automated score was calculated to assess if this variant is too frequent to cause the disease. Based on the score and internal cut-off values, a variant classified as benign is not then subjected to further curation. The score for this variant resulted in a classification of benign for this disease.

GeneDx
Classification: Benign. Last evaluated: 2015-03-03. Review status: criteria provided, single submitter. Criteria: GeneDx Variant Classification Process June 2021. Collection method: clinical testing. Allele origin: germline. Affected: yes.

Breakthrough Genomics
Classification: Benign. Review status: criteria provided, single submitter. Criteria: ACMG Guidelines, 2015. Collection method: not provided. Allele origin: germline. Inheritance: Autosomal dominant inheritance. Affected: yes.

PreventionGenetics, part of Exact Sciences
Classification: Benign. Review status: criteria provided, single submitter. Criteria: ACMG Guidelines, 2015. Collection method: clinical testing. Allele origin: germline.

Diagnostic Laboratory, Department of Genetics, University Medical Center Groningen
Classification: Benign. Review status: no assertion criteria provided. Collection method: clinical testing. Allele origin: germline. Affected: yes. Study: VKGL Data-share Consensus. Not counted in ClinVar's aggregate classification.

Genome Diagnostics Laboratory, University Medical Center Utrecht
Classification: Benign. Review status: no assertion criteria provided. Collection method: clinical testing. Allele origin: germline. Affected: yes. Study: VKGL Data-share Consensus. Not counted in ClinVar's aggregate classification.